The following is an entry in ClinVar:

ClinVar aggregate classification (germline): Benign/Likely benign. Review status: criteria provided, multiple submitters, no conflicts (2 of 4 stars). 9 submissions from 9 submitters: Benign (5); Likely benign (1). 3 of the submissions do not count toward it. Last evaluated 2026-02-04.

Conditions:
PGM1-congenital disorder of glycosylation. Also called: Congenital disorder of glycosylation type 1t; PHOSPHOGLUCOMUTASE 1 DEFICIENCY; PGM1 DEFICIENCY; GLYCOGEN STORAGE DISEASE XIV; GSD XIV; CDG It. Identifiers: Orphanet 319646, MedGen C2752015, MONDO:0013968, OMIM 614921.

Allele frequency attached by ClinVar (database versions not stated): gnomAD exomes 0.12530 and 0.14036; 1000 Genomes Project 0.12979; ExAC 0.13043; 1000 Genomes Project 30x 0.13148; gnomAD 0.16313 and 0.16859; TOPMed 0.16429; ESP Exome Variant Server 0.17446.
gnomAD v4.1: 229,656 of 1,611,504 alleles (14%); highest among the groups gnomAD compares: African/African-American, 25%; 17,798 homozygotes.

Submissions (9):

Labcorp Genetics (formerly Invitae), Labcorp
Classification: Benign for PGM1-congenital disorder of glycosylation. Last evaluated: 2026-02-04. Review status: criteria provided, single submitter. Criteria: Invitae Variant Classification Sherloc (09022015). Collection method: clinical testing. Allele origin: germline.

Blueprint Genetics
Classification: Benign. Last evaluated: 2024-11-26. Review status: criteria provided, single submitter. Criteria: ACMG Guidelines, 2015. Collection method: clinical testing. Allele origin: germline.

SIB Swiss Institute of Bioinformatics
Classification: Benign. Last evaluated: 2018-05-31. Review status: criteria provided, single submitter. Criteria: ACMG Guidelines, 2015. Collection method: curation. Allele origin: unknown.
Comment: This variant is interpreted as a Benign - Stand Alone. The following ACMG Tag(s) were applied: BA1 => Allele frequency is >5% in Exome Sequencing Project, 1000 Genomes Project, or Exome Aggregation Consortium.

Illumina Laboratory Services, Illumina
Classification: Benign for PGM1-congenital disorder of glycosylation. Last evaluated: 2018-01-12. Review status: criteria provided, single submitter. Criteria: ICSL Variant Classification Criteria 13 December 2019. Collection method: clinical testing. Allele origin: germline.
Comment: This variant was observed in the ICSL laboratory as part of a predisposition screen in an ostensibly healthy population. It had not been previously curated by ICSL or reported in the Human Gene Mutation Database (HGMD: prior to June 1st, 2018), and was therefore a candidate for classification through an automated scoring system. Utilizing variant allele frequency, disease prevalence and penetrance estimates, and inheritance mode, an automated score was calculated to assess if this variant is too frequent to cause the disease. Based on the score and internal cut-off values, a variant classified as benign is not then subjected to further curation. The score for this variant resulted in a classification of benign for this disease.

GeneDx
Classification: Benign. Last evaluated: 2016-01-24. Review status: criteria provided, single submitter. Criteria: GeneDx Variant Classification (06012015). Collection method: clinical testing. Allele origin: germline. Affected: yes.
Comment: This variant is considered likely benign or benign based on one or more of the following criteria: it is a conservative change, it occurs at a poorly conserved position in the protein, it is predicted to be benign by multiple in silico algorithms, and/or has population frequency not consistent with disease.

Breakthrough Genomics
Classification: Likely benign. Review status: criteria provided, single submitter. Criteria: ACMG Guidelines, 2015. Collection method: not provided. Allele origin: germline. Inheritance: Autosomal recessive inheritance. Affected: yes.

Mayo Clinic Laboratories, Mayo Clinic
Classification: Benign. Last evaluated: 2017-04-12. Review status: no assertion criteria provided. Collection method: clinical testing. Allele origin: unknown. Not counted in ClinVar's aggregate classification.

Diagnostic Laboratory, Department of Genetics, University Medical Center Groningen
Classification: Benign. Review status: no assertion criteria provided. Collection method: clinical testing. Allele origin: germline. Affected: yes. Study: VKGL Data-share Consensus. Not counted in ClinVar's aggregate classification.

Joint Genome Diagnostic Labs from Nijmegen and Maastricht, Radboudumc and MUMC+
Classification: Benign. Review status: no assertion criteria provided. Collection method: clinical testing. Allele origin: germline. Affected: yes. Study: VKGL Data-share Consensus. Not counted in ClinVar's aggregate classification.

NM_002633.3(PGM1):c.262A>G (p.Ile88Val)

Gene: PGM1 (phosphoglucomutase 1; plus strand). Cytogenetic location: 1p31.3.
Variant type: single nucleotide variant.
Coding change: c.262A>G on transcript NM_002633.3 (MANE Select); coding-DNA position 262, A replaced by G.
Protein change: p.Ile88Val; replaces isoleucine 88 with valine.
Molecular consequence: missense variant. On other transcripts: 5 prime UTR variant (1).
Genome position (GRCh38, 1-based): chr1:63,629,440, A>G. VCF-style: chr1-63629440-A-G. GRCh37 (hg19) VCF-style: chr1-64095111-A-G.
Other names: NM_001172818.1(PGM1):c.316A>G(p.Ile106Val); NM_002633.2(PGM1):c.262A>G(p.Ile88Val); c.316A>G, p.Ile106Val (NM_001172818.1); c.-330A>G (NM_001172819.2); short protein forms I88V, I106V.
Identifiers: ClinVar variation 297871 (VCV000297871.25), dbSNP rs855314, ClinGen allele CA889498.